The following is an entry in ClinVar:

NM_000815.5(GABRD):c.1194_1195del (p.Glu400fs)

Gene: GABRD (gamma-aminobutyric acid type A receptor subunit delta; plus strand). Cytogenetic location: 1p36.33.
Variant type: Deletion.
Coding change: c.1194_1195del on transcript NM_000815.5 (MANE Select); coding-DNA positions 1194 to 1195, 2 bases deleted (AG; older notation c.1194_1195delAG).
Protein change: p.Glu400fs; shifts the reading frame from glutamic acid 400.
Molecular consequence: frameshift variant.
Genome position (GRCh38, 1-based): chr1:2,030,117-2,030,118, AG deleted. VCF-style (leftmost placement, unchanged base first): chr1-2030116-CAG-C. GRCh37 (hg19) VCF-style: chr1-1961555-CAG-C.
Other names: short protein forms E400fs.
Identifiers: ClinVar variation 846992 (VCV000846992.7), dbSNP rs1351197180, ClinGen allele CA521013258.
Genomic context (GRCh38, chr1:2,030,116, plus strand): 5'-GCCGGCAGCGCCGCGTCCCGGGGAACCTGATGGGCTCCTACAGGTCGGTGGGGGTGGAGA[CAG>C]GGGAGACGAAGAAGGAGGGGGCAGCCCGCTCAGGAGGCCAGGGGGGCATCCGTGCCCGGC-3'

ClinVar aggregate classification (germline): Uncertain significance (1 of 4 stars; one submission).

Conditions:
Idiopathic generalized epilepsy. Also called: Generalised epilepsy; EIG. Identifiers: MedGen C0270850, MONDO:0005579, OMIM 600669.

Allele frequency attached by ClinVar (database versions not stated): gnomAD 0.00001; gnomAD exomes 0.00001; TOPMed 0.00001.

Submission:

Labcorp Genetics (formerly Invitae), Labcorp
Classification: Uncertain significance for Idiopathic generalized epilepsy. Last evaluated: 2025-06-04. Review status: criteria provided, single submitter. Criteria: Invitae Variant Classification Sherloc (09022015). Collection method: clinical testing. Allele origin: germline.
Comment: This sequence change creates a premature translational stop signal (p.Glu400Aspfs*28) in the GABRD gene. While this is not anticipated to result in nonsense mediated decay, it is expected to disrupt the last 53 amino acid(s) of the GABRD protein. This variant is present in population databases (no rsID available, gnomAD 0.004%). This variant has not been reported in the literature in individuals affected with GABRD-related conditions. ClinVar contains an entry for this variant (Variation ID: 846992). Experimental studies and prediction algorithms are not available or were not evaluated, and the functional significance of this variant is currently unknown. In summary, the available evidence is currently insufficient to determine the role of this variant in disease. Therefore, it has been classified as a Variant of Uncertain Significance.